The following is an entry in ClinVar:

ClinVar aggregate classification (germline): Uncertain significance. Review status: criteria provided, multiple submitters, no conflicts (2 of 4 stars). 2 submissions from 2 submitters: Uncertain significance (2). Last evaluated 2025-11-15.

Conditions:
Oligodontia-cancer predisposition syndrome. Also called: TOOTH AGENESIS-COLORECTAL CANCER SYNDROME. Identifiers: Orphanet 300576, MedGen C1837750, MONDO:0012075, OMIM 608615. Disease mechanism: loss of function.
Hereditary cancer-predisposing syndrome. Also called: Hereditary neoplastic syndrome; Tumor predisposition; Hereditary Cancer Syndrome; Neoplastic Syndromes, Hereditary. Identifiers: Orphanet 140162, MedGen C0027672, MeSH D009386, MONDO:0015356.

gnomAD v4.1: 2 of 1,610,664 alleles (0.00012%); highest among the groups gnomAD compares: Non-Finnish European, 0.00017%; no homozygotes.

Submissions (2):

Ambry Genetics
Classification: Uncertain significance for Hereditary cancer-predisposing syndrome. Last evaluated: 2025-11-15. Review status: criteria provided, single submitter. Criteria: Ambry Variant Classification Scheme 2023. Collection method: clinical testing. Allele origin: germline.
Comment: The p.I302L variant (also known as c.904A>C), located in coding exon 2 of the AXIN2 gene, results from an A to C substitution at nucleotide position 904. The isoleucine at codon 302 is replaced by leucine, an amino acid with highly similar properties. This amino acid position is conserved. In addition, this alteration is predicted to be tolerated by in silico analysis. Based on the available evidence, the clinical significance of this variant remains unclear.

Labcorp Genetics (formerly Invitae), Labcorp
Classification: Uncertain significance for Oligodontia-cancer predisposition syndrome. Last evaluated: 2024-11-27. Review status: criteria provided, single submitter. Criteria: Invitae Variant Classification Sherloc (09022015). Collection method: clinical testing. Allele origin: germline.
Comment: This sequence change replaces isoleucine, which is neutral and non-polar, with leucine, which is neutral and non-polar, at codon 302 of the AXIN2 protein (p.Ile302Leu). This variant is not present in population databases (gnomAD no frequency). This variant has not been reported in the literature in individuals affected with AXIN2-related conditions. Invitae Evidence Modeling of protein sequence and biophysical properties (such as structural, functional, and spatial information, amino acid conservation, physicochemical variation, residue mobility, and thermodynamic stability) indicates that this missense variant is not expected to disrupt AXIN2 protein function with a negative predictive value of 80%. In summary, the available evidence is currently insufficient to determine the role of this variant in disease. Therefore, it has been classified as a Variant of Uncertain Significance.

NM_004655.4(AXIN2):c.904A>C (p.Ile302Leu)

Gene: AXIN2 (axin 2; minus strand). Cytogenetic location: 17q24.1.
Variant type: single nucleotide variant.
Coding change: c.904A>C on transcript NM_004655.4 (MANE Select); coding-DNA position 904, A replaced by C.
Protein change: p.Ile302Leu; replaces isoleucine 302 with leucine.
Molecular consequence: missense variant.
Genome position (GRCh38, 1-based): chr17:65,549,572, T>G on the plus strand (A>C on the coding strand, the complement: AXIN2 is on the minus strand). VCF-style: chr17-65549572-T-G. GRCh37 (hg19) VCF-style: chr17-63545690-T-G.
Other names: c.904A>C, p.Ile302Leu (NM_001363813.1); short protein forms I302L.
Identifiers: ClinVar variation 3707764 (VCV003707764.3).